The following is an entry in ClinVar:

NM_001352027.3(PHF21A):c.1608+5T>C

Gene: PHF21A (PHD finger protein 21A; minus strand). Cytogenetic location: 11p11.2.
Variant type: single nucleotide variant.
Coding change: c.1608+5T>C on transcript NM_001352027.3 (MANE Select); 5 bases into the intron after coding-DNA position 1608, T replaced by C.
Molecular consequence: intron variant.
Genome position (GRCh38, 1-based): chr11:45,938,152, A>G on the plus strand (T>C on the coding strand, the complement: PHF21A is on the minus strand). VCF-style: chr11-45938152-A-G. GRCh37 (hg19) VCF-style: chr11-45959703-A-G.
Other names: c.1464+5T>C (NM_001352030.3, NM_001352031.3, NM_001352032.3); c.1605+5T>C (NM_001101802.3); c.1608+5T>C (NM_001352026.3, NM_001352025.3); c.1467+5T>C (NM_016621.5, NM_001352028.1, NM_001352029.1).
Identifiers: ClinVar variation 2779104 (VCV002779104.3), dbSNP rs771353839, ClinGen allele CA5961072.
Genomic context (GRCh38, chr11:45,938,152, plus strand): 5'-ATTCCTCCTGATGGCCGTGTCTTTGTCCTCCTCGGCCCCTCCCCTGTTGGACCCACCCAC[A>G]GTACCTGGTCCTGACATCTGGGACAGATCCACATGCCCTTGGGAATTGTTTTCAGAGGGG-3'

ClinVar aggregate classification (germline): Uncertain significance (1 of 4 stars; one submission).

Allele frequency attached by ClinVar (database versions not stated): TOPMed below 0.00001; ExAC 0.00001; gnomAD 0.00001.

Submission:

Labcorp Genetics (formerly Invitae), Labcorp
Classification: Uncertain significance. Last evaluated: 2023-04-02. Review status: criteria provided, single submitter. Criteria: Invitae Variant Classification Sherloc (09022015). Collection method: clinical testing. Allele origin: germline.
Comment: In summary, the available evidence is currently insufficient to determine the role of this variant in disease. Therefore, it has been classified as a Variant of Uncertain Significance. This sequence change falls in intron 15 of the PHF21A gene. It does not directly change the encoded amino acid sequence of the PHF21A protein. It affects a nucleotide within the consensus splice site. This variant is present in population databases (rs771353839, gnomAD 0.01%). This variant has not been reported in the literature in individuals affected with PHF21A-related conditions. Variants that disrupt the consensus splice site are a relatively common cause of aberrant splicing (PMID: 17576681, 9536098). Algorithms developed to predict the effect of sequence changes on RNA splicing suggest that this variant is not likely to affect RNA splicing.

Literature cited by the submitters: PubMed 17576681; PubMed 9536098.